The following is an entry in ClinVar:

ClinVar aggregate classification (germline): Likely benign. Review status: criteria provided, multiple submitters, no conflicts (2 of 4 stars). 2 submissions from 2 submitters: Likely benign (2). Last evaluated 2023-01-13.

Allele frequency attached by ClinVar (database versions not stated): 1000 Genomes Project 30x 0.00031; ExAC 0.00070; TOPMed 0.00225; gnomAD 0.00230; gnomAD exomes 0.00486.
gnomAD v4.1: 4,724 of 1,053,050 alleles (0.45%); highest among the groups gnomAD compares: Non-Finnish European, 0.52%; 11 homozygotes.

Submissions (2):

Blueprint Genetics
Classification: Likely benign. Last evaluated: 2023-01-13. Review status: criteria provided, single submitter. Criteria: ACMG Guidelines, 2015. Collection method: clinical testing. Allele origin: germline.

CeGaT Center for Human Genetics Tuebingen
Classification: Likely benign. Last evaluated: 2022-03-01. Review status: criteria provided, single submitter. Criteria: CeGaT Center For Human Genetics Tuebingen Variant Classification Criteria Version 2. Collection method: clinical testing. Allele origin: germline. Affected: yes. Observed: 1 variant allele.
Comment: CBARP: BP4, BP7

NM_001393918.1(CBARP):c.1605C>A (p.Arg535=)

Gene: CBARP (CACN subunit beta associated regulatory protein; minus strand). Cytogenetic location: 19p13.3.
Variant type: single nucleotide variant.
Coding change: c.1605C>A on transcript NM_001393918.1 (MANE Select); coding-DNA position 1605, C replaced by A.
Protein change: p.Arg535=; no amino-acid change (arginine 535 retained).
Molecular consequence: synonymous variant. On other transcripts: 3 prime UTR variant (1).
Genome position (GRCh38, 1-based): chr19:1,229,692, G>T on the plus strand (C>A on the coding strand, the complement: CBARP is on the minus strand). VCF-style: chr19-1229692-G-T. GRCh37 (hg19) VCF-style: chr19-1229691-G-T.
Other names: c.*1201C>A (NM_152769.3).
Identifiers: ClinVar variation 2648908 (VCV002648908.25), dbSNP rs763053321, ClinGen allele CA9039505.